The following is an entry in ClinVar:

NM_001005273.3(CHD3):c.815G>A (p.Ser272Asn)

Genes: CHD3 (chromodomain helicase DNA binding protein 3; plus strand), LOC126862484 (CDK7 strongly-dependent group 2 enhancer GRCh37_chr17:7797066-7798265; plus strand). Cytogenetic location: 17p13.1.
Variant type: single nucleotide variant.
Coding change: c.815G>A on transcript NM_001005273.3 (MANE Select); coding-DNA position 815, G replaced by A.
Protein change: p.Ser272Asn; replaces serine 272 with asparagine.
Molecular consequence: missense variant.
Genome position (GRCh38, 1-based): chr17:7,893,826, G>A. VCF-style: chr17-7893826-G-A. GRCh37 (hg19) VCF-style: chr17-7797144-G-A.
Other names: c.992G>A, p.Ser331Asn (NM_001005271.3); c.815G>A, p.Ser272Asn (NM_005852.4); short protein forms S272N, S331N.
Identifiers: ClinVar variation 3491957 (VCV003491957.2).

ClinVar aggregate classification (germline): Uncertain significance. Review status: criteria provided, multiple submitters, no conflicts (2 of 4 stars). 2 submissions from 2 submitters: Uncertain significance (2). Last evaluated 2026-03-06.

Conditions:
Inborn genetic diseases. Identifiers: MedGen C0950123, MeSH D030342.

gnomAD v4.1: 7 of 1,614,160 alleles (0.00043%); highest among the groups gnomAD compares: East Asian, 0.0045%; no homozygotes.

Submissions (2):

GeneDx
Classification: Uncertain significance. Last evaluated: 2026-03-06. Review status: criteria provided, single submitter. Criteria: GeneDx Variant Classification Process June 2021. Collection method: clinical testing. Allele origin: germline.
Comment: Not observed at significant frequency in large population cohorts (gnomAD); In silico analysis suggests that this missense variant does not alter protein structure/function; Has not been previously published as pathogenic or benign to our knowledge

Ambry Genetics
Classification: Uncertain significance for Inborn genetic diseases. Last evaluated: 2024-10-01. Review status: criteria provided, single submitter. Criteria: Ambry Variant Classification Scheme 2023. Collection method: clinical testing. Allele origin: germline.